The following is an entry in ClinVar:

NM_003401.5(XRCC4):c.-10-1G>C

Gene: XRCC4 (X-ray repair cross complementing 4; plus strand). Cytogenetic location: 5q14.2.
Variant type: single nucleotide variant.
Coding change: c.-10-1G>C on transcript NM_003401.5 (MANE Select); the canonical splice acceptor site of the intron before 10 bases upstream of the start codon, G replaced by C.
Molecular consequence: splice acceptor variant.
Genome position (GRCh38, 1-based): chr5:83,104,909, G>C. VCF-style: chr5-83104909-G-C. GRCh37 (hg19) VCF-style: chr5-82400728-G-C.
Other names: c.-10-1G>C (NM_001318012.3, NM_022550.4, NM_022406.5 and 1 more transcripts).
Identifiers: ClinVar variation 4533235 (VCV004533235.1).
Genomic context (GRCh38, chr5:83,104,909, plus strand): 5'-AGAAAACATTATTTGAGTTACAGTTTCTTTTAAAAATATTAATTGTATTCTCCCATTACA[G>C]GTATTAAGAAATGGAGAGAAAAATAAGCAGAATCCACCTTGTTTCTGAACCCAGTATAAC-3'

ClinVar aggregate classification (germline): Likely pathogenic (1 of 4 stars; one submission).

Conditions:
Short stature, microcephaly, and endocrine dysfunction (SSMED). Identifiers: Orphanet 436182, MedGen C4225288, MONDO:0014686, OMIM 616541.

gnomAD v4.1: 2 of 1,610,984 alleles (0.00012%); highest among the groups gnomAD compares: Non-Finnish European, 0.00017%; no homozygotes.

Submission:

Juno Genomics, Hangzhou Juno Genomics, Inc
Classification: Likely pathogenic for Short stature, microcephaly, and endocrine dysfunction. Review status: criteria provided, single submitter. Criteria: ACMG Guidelines, 2015. Collection method: clinical testing. Allele origin: germline. Affected: yes.
Comment: Absent from controls (or at extremely low frequency if recessive) in Genome Aggregation Database, Exome Sequencing Project, 1000 Genomes Project, or Exome Aggregation Consortium.;Null variant in a gene where loss of function (LOF) is a known mechanism of disease.